The following is an entry in ClinVar:

NM_000334.4(SCN4A):c.1906G>A (p.Glu636Lys)

Gene: SCN4A (sodium voltage-gated channel alpha subunit 4; minus strand). Cytogenetic location: 17q23.3.
Variant type: single nucleotide variant.
Coding change: c.1906G>A on transcript NM_000334.4 (MANE Select); coding-DNA position 1906, G replaced by A.
Protein change: p.Glu636Lys; replaces glutamic acid 636 with lysine.
Molecular consequence: missense variant.
Genome position (GRCh38, 1-based): chr17:63,959,378, C>T on the plus strand (G>A on the coding strand, the complement: SCN4A is on the minus strand). VCF-style: chr17-63959378-C-T. GRCh37 (hg19) VCF-style: chr17-62036738-C-T.
Other names: short protein forms E636K.
Identifiers: ClinVar variation 2067127 (VCV002067127.7), dbSNP rs1428915702, ClinGen allele CA400632151.

ClinVar aggregate classification (germline): Uncertain significance. Review status: criteria provided, multiple submitters, no conflicts (2 of 4 stars). 2 submissions from 2 submitters: Uncertain significance (2). Last evaluated 2022-10-25.

Conditions:
Hyperkalemic periodic paralysis. Also called: Familial hyperkalemic periodic paralysis; Gamstorp disease. Identifiers: Orphanet 682, MedGen C0238357, MONDO:0008224, OMIM 170500, HP:0007215.

Allele frequency attached by ClinVar (database versions not stated): gnomAD 0.00001; gnomAD exomes 0.00001.
gnomAD v4.1: 14 of 1,613,810 alleles (0.00087%); highest among the groups gnomAD compares: Non-Finnish European, 0.0012%; no homozygotes.

Submissions (2):

Labcorp Genetics (formerly Invitae), Labcorp
Classification: Uncertain significance for Hyperkalemic periodic paralysis. Last evaluated: 2022-10-25. Review status: criteria provided, single submitter. Criteria: Invitae Variant Classification Sherloc (09022015). Collection method: clinical testing. Allele origin: germline.
Comment: This sequence change replaces glutamic acid, which is acidic and polar, with lysine, which is basic and polar, at codon 636 of the SCN4A protein (p.Glu636Lys). This variant is present in population databases (no rsID available, gnomAD 0.002%). This variant has not been reported in the literature in individuals affected with SCN4A-related conditions. Advanced modeling of protein sequence and biophysical properties (such as structural, functional, and spatial information, amino acid conservation, physicochemical variation, residue mobility, and thermodynamic stability) performed at Invitae indicates that this missense variant is not expected to disrupt SCN4A protein function. In summary, the available evidence is currently insufficient to determine the role of this variant in disease. Therefore, it has been classified as a Variant of Uncertain Significance.

Revvity Omics, Revvity
Classification: Uncertain significance. Last evaluated: 2019-02-20. Review status: criteria provided, single submitter. Criteria: ACMG Guidelines, 2015. Collection method: clinical testing. Allele origin: germline.